The following is an entry in ClinVar:

ClinVar aggregate classification (germline): Uncertain significance. Review status: criteria provided, multiple submitters, no conflicts (2 of 4 stars). 5 submissions from 5 submitters: Uncertain significance (5). Last evaluated 2026-07-16.

Conditions:
Hereditary cancer-predisposing syndrome. Also called: Hereditary Cancer Syndrome; Tumor predisposition; Hereditary neoplastic syndrome; Neoplastic Syndromes, Hereditary. Identifiers: Orphanet 140162, MedGen C0027672, MeSH D009386, MONDO:0015356.
Multiple endocrine neoplasia, type 1 (MEN1). Also called: MEN I; WERMER SYNDROME; Endocrine adenomatosis multiple; MEN 1; MEA I. Identifiers: Orphanet 652, MedGen C0025267, MeSH D018761, MONDO:0007540, OMIM 131100.

Submissions (5):

Ambry Genetics
Classification: Uncertain significance for Hereditary cancer-predisposing syndrome. Last evaluated: 2026-07-16. Review status: criteria provided, single submitter. Criteria: Ambry Variant Classification Scheme 2023. Collection method: clinical testing. Allele origin: germline.
Comment: The p.I140F variant (also known as c.418A>T), located in coding exon 1 of the MEN1 gene, results from an A to T substitution at nucleotide position 418. The isoleucine at codon 140 is replaced by phenylalanine, an amino acid with highly similar properties. This amino acid position is highly conserved in available vertebrate species. In addition, this alteration is predicted to be deleterious by in silico analysis. Based on the available evidence, the clinical significance of this variant remains unclear.

Labcorp Genetics (formerly Invitae), Labcorp
Classification: Uncertain significance for Multiple endocrine neoplasia, type 1. Last evaluated: 2025-12-03. Review status: criteria provided, single submitter. Criteria: Invitae Variant Classification Sherloc (09022015). Collection method: clinical testing. Allele origin: germline.
Comment: This sequence change replaces isoleucine, which is neutral and non-polar, with phenylalanine, which is neutral and non-polar, at codon 140 of the MEN1 protein (p.Ile140Phe). This variant is not present in population databases (gnomAD no frequency). This variant has not been reported in the literature in individuals affected with MEN1-related conditions. ClinVar contains an entry for this variant (Variation ID: 527260). Invitae Evidence Modeling of protein sequence and biophysical properties (such as structural, functional, and spatial information, amino acid conservation, physicochemical variation, residue mobility, and thermodynamic stability) indicates that this missense variant is expected to disrupt MEN1 protein function with a positive predictive value of 95%. In summary, the available evidence is currently insufficient to determine the role of this variant in disease. Therefore, it has been classified as a Variant of Uncertain Significance.

Color Diagnostics, LLC DBA Color Health
Classification: Uncertain significance for Multiple endocrine neoplasia, type 1. Last evaluated: 2024-01-22. Review status: criteria provided, single submitter. Criteria: ACMG Guidelines, 2015. Collection method: clinical testing. Allele origin: germline.
Comment: This missense variant replaces isoleucine with phenylalanine at codon 140 of the MEN1 protein. Computational prediction suggests that this variant may have deleterious impact on protein structure and function (internally defined REVEL score threshold >= 0.7, PMID: 27666373). To our knowledge, functional studies have not been reported for this variant. This variant has not been reported in individuals affected with MEN1-related disorders in the literature. This variant has not been identified in the general population by the Genome Aggregation Database (gnomAD). The available evidence is insufficient to determine the role of this variant in disease conclusively. Therefore, this variant is classified as a Variant of Uncertain Significance.

All of Us Research Program, National Institutes of Health
Classification: Uncertain significance for Multiple endocrine neoplasia, type 1. Last evaluated: 2023-11-17. Review status: criteria provided, single submitter. Criteria: ACMG Guidelines, 2015. Collection method: clinical testing. Allele origin: germline. Inheritance: Autosomal dominant inheritance. Observed: 1 variant allele, 1 heterozygote.
Comment: This study involves interpretation of variants in research participants for the purpose of population health screening. Participant phenotype was not available at the time of variant classification. Additional details can be found in publication PMID: 35346344, PMCID: PMC8962531

Baylor Genetics
Classification: Uncertain significance for Multiple Endocrine Neoplasia Type 1. Last evaluated: 2023-06-02. Review status: criteria provided, single submitter. Criteria: ACMG Guidelines, 2015. Collection method: clinical testing. Allele origin: unknown.

NM_001370259.2(MEN1):c.418A>T (p.Ile140Phe)

Gene: MEN1 (menin 1; minus strand). Cytogenetic location: 11q13.1.
Variant type: single nucleotide variant.
Coding change: c.418A>T on transcript NM_001370259.2 (MANE Select); coding-DNA position 418, A replaced by T.
Protein change: p.Ile140Phe; replaces isoleucine 140 with phenylalanine.
Molecular consequence: missense variant.
Genome position (GRCh38, 1-based): chr11:64,809,692, T>A on the plus strand (A>T on the coding strand, the complement: MEN1 is on the minus strand). VCF-style: chr11-64809692-T-A. GRCh37 (hg19) VCF-style: chr11-64577164-T-A.
Other names: c.418A>T, p.Ile140Phe (NM_000244.4, NM_001370251.2, NM_001370260.2 and 9 more transcripts); short protein forms I140F.
Identifiers: ClinVar variation 527260 (VCV000527260.18), dbSNP rs376510601, ClinGen allele CA381186778.
Genomic context (GRCh38, chr11:64,809,692, plus strand): 5'-CATGGATAAGATTCCCACCTACTGGGCTCCAACCTGTGATGAAGCTGAAGAGGGACTGGA[T>A]GTGGGCCCGATCCTTGAAGTAGGAGCGGCTGAGGCTGTTCCATATGACATCGGAGACCTT-3'
Protein context (NP_001357188.2, residues 130-150): SRSYFKDRAH[Ile140Phe]QSLFSFITGT